The following is an entry in ClinVar:

ClinVar aggregate classification (germline): Conflicting classifications of pathogenicity. Review status: criteria provided, conflicting classifications (1 of 4 stars). 13 submissions from 9 submitters: Uncertain significance (3); Benign (5); Likely benign (2). 3 of the submissions do not count toward it. Last evaluated 2026-01-28.

Conditions:
Autosomal recessive limb-girdle muscular dystrophy type 2J (LGMDR10). Also called: MUSCULAR DYSTROPHY, LIMB-GIRDLE, AUTOSOMAL RECESSIVE 10; Limb-girdle muscular dystrophy, type 2J. Identifiers: Orphanet 140922, MedGen C1837342, MONDO:0012127, OMIM 608807.
Dilated cardiomyopathy 1G (CMD1G). Identifiers: Orphanet 154, MedGen C1858763, MONDO:0011400, OMIM 604145.
Early-onset myopathy with fatal cardiomyopathy (CMYO5). Also called: CONGENITAL MYOPATHY 5 WITH CARDIOMYOPATHY; Salih Myopathy. Identifiers: Orphanet 289377, MedGen C2673677, MONDO:0012714, OMIM 611705. Disease mechanism: loss of function.
Tibial muscular dystrophy (TMD). Also called: UDD MYOPATHY; Udd Distal Myopathy – Tibial Muscular Dystrophy; Tibial muscular dystrophy, tardive. Identifiers: Orphanet 609, MedGen C1838244, MONDO:0010870, OMIM 600334.
Myopathy, myofibrillar, 9, with early respiratory failure (MFM9). Also called: Hereditary myopathy with early respiratory failure; EDSTROM MYOPATHY; MYOPATHY, PROXIMAL, WITH EARLY RESPIRATORY MUSCLE INVOLVEMENT; Myopathy, distal, with early respiratory failure, autosomal dominant. Identifiers: Orphanet 178464, Orphanet 34521, MedGen C1863599, MONDO:0011362, OMIM 603689.

Allele frequency attached by ClinVar (database versions not stated): gnomAD exomes 0.00029; ESP Exome Variant Server 0.00031; ExAC 0.00044; TOPMed 0.00053; gnomAD 0.00057 and 0.00063.
gnomAD v4.1: 543 of 1,612,946 alleles (0.034%); highest among the groups gnomAD compares: Middle Eastern, 0.066%; 3 homozygotes.

Submissions (13):

Labcorp Genetics (formerly Invitae), Labcorp
Classification: Benign for Dilated cardiomyopathy 1G; Autosomal recessive limb-girdle muscular dystrophy type 2J. Last evaluated: 2026-01-28. Review status: criteria provided, single submitter. Criteria: Invitae Variant Classification Sherloc (09022015). Collection method: clinical testing. Allele origin: germline.

Blueprint Genetics
Classification: Likely benign. Last evaluated: 2024-11-14. Review status: criteria provided, single submitter. Criteria: ACMG Guidelines, 2015. Collection method: clinical testing. Allele origin: germline.

Women's Health and Genetics/Laboratory Corporation of America, LabCorp
Classification: Benign. Last evaluated: 2023-07-05. Review status: criteria provided, single submitter. Criteria: LabCorp Variant Classification Summary - May 2015. Collection method: clinical testing. Allele origin: germline.
Comment: Variant summary: TTN c.6790+12C>T alters a conserved nucleotide located close to a canonical splice site and therefore could affect mRNA splicing, leading to a significantly altered protein sequence. 4/4 computational tools predict no significant impact on normal splicing. However, these predictions have yet to be confirmed by functional studies. The variant allele was found at a frequency of 0.00063 in 249944 control chromosomes. The observed variant frequency is approximately 2 fold of the estimated maximal expected allele frequency for a pathogenic variant in TTN causing Dilated Cardiomyopathy phenotype (0.00039), strongly suggesting that the variant is benign. To our knowledge, no occurrence of c.6790+12C>T in individuals affected with Dilated Cardiomyopathy and no experimental evidence demonstrating its impact on protein function have been reported. Six submitters have cited clinical-significance assessments for this variant to ClinVar after 2014. All submitters classified the variant as benign (n=4) or likely benign (n=2). Based on the evidence outlined above, the variant was classified as benign.

Illumina Laboratory Services, Illumina
Classification: Uncertain significance for Autosomal recessive limb-girdle muscular dystrophy type 2J. Last evaluated: 2018-01-13. Review status: criteria provided, single submitter. Criteria: ICSL Variant Classification Criteria 13 December 2019. Collection method: clinical testing. Allele origin: germline.

Illumina Laboratory Services, Illumina
Classification: Uncertain significance for Early-onset myopathy with fatal cardiomyopathy. Last evaluated: 2018-01-13. Review status: criteria provided, single submitter. Criteria: ICSL Variant Classification Criteria 13 December 2019. Collection method: clinical testing. Allele origin: germline.

Illumina Laboratory Services, Illumina
Classification: Benign for Myopathy, myofibrillar, 9, with early respiratory failure. Last evaluated: 2018-01-13. Review status: criteria provided, single submitter. Criteria: ICSL Variant Classification Criteria 13 December 2019. Collection method: clinical testing. Allele origin: germline.
Comment: This variant was observed in the ICSL laboratory as part of a predisposition screen in an ostensibly healthy population. It had not been previously curated by ICSL or reported in the Human Gene Mutation Database (HGMD: prior to June 1st, 2018), and was therefore a candidate for classification through an automated scoring system. Utilizing variant allele frequency, disease prevalence and penetrance estimates, and inheritance mode, an automated score was calculated to assess if this variant is too frequent to cause the disease. Based on the score and internal cut-off values, a variant classified as benign is not then subjected to further curation. The score for this variant resulted in a classification of benign for this disease.

Illumina Laboratory Services, Illumina
Classification: Uncertain significance for Dilated cardiomyopathy 1G. Last evaluated: 2018-01-13. Review status: criteria provided, single submitter. Criteria: ICSL Variant Classification Criteria 13 December 2019. Collection method: clinical testing. Allele origin: germline.

Illumina Laboratory Services, Illumina
Classification: Benign for Tibial muscular dystrophy. Last evaluated: 2018-01-13. Review status: criteria provided, single submitter. Criteria: ICSL Variant Classification Criteria 13 December 2019. Collection method: clinical testing. Allele origin: germline.
Comment: the same text as in the submission from Illumina Laboratory Services, Illumina above.

GeneDx
Classification: Benign. Last evaluated: 2014-02-17. Review status: criteria provided, single submitter. Criteria: GeneDx Variant Classification (06012015). Collection method: clinical testing. Allele origin: germline. Affected: yes.
Comment: This variant is considered likely benign or benign based on one or more of the following criteria: it is a conservative change, it occurs at a poorly conserved position in the protein, it is predicted to be benign by multiple in silico algorithms, and/or has population frequency not consistent with disease.

Laboratory for Molecular Medicine, Mass General Brigham Personalized Medicine
Classification: Likely benign. Last evaluated: 2012-03-19. Review status: criteria provided, single submitter. Criteria: LMM Criteria. Collection method: clinical testing. Allele origin: germline. Observed: 2 variant alleles.
Comment: 6790+12C>T in intron 29 of TTN: This variant is not expected to have clinical si gnificance because it is not located within the splice consensus sequence. It ha s been identified in 3/7020 European American chromosomes from a broad populatio n by the NHLBI Exome Sequencing Project. 67 90+12C>T in intron 29 of TTN (allele frequency = 3/7020) **

Clinical Genetics DNA and cytogenetics Diagnostics Lab, Erasmus MC, Erasmus Medical Center
Classification: Benign. Review status: no assertion criteria provided. Collection method: clinical testing. Allele origin: germline. Affected: yes. Study: VKGL Data-share Consensus. Not counted in ClinVar's aggregate classification.

Clinical Genetics, Academic Medical Center
Classification: Benign. Review status: no assertion criteria provided. Collection method: clinical testing. Allele origin: germline. Affected: yes. Study: VKGL Data-share Consensus. Not counted in ClinVar's aggregate classification.

Genome Diagnostics Laboratory, University Medical Center Utrecht
Classification: Likely benign. Review status: no assertion criteria provided. Collection method: clinical testing. Allele origin: germline. Affected: yes. Study: VKGL Data-share Consensus. Not counted in ClinVar's aggregate classification.

NM_001267550.2(TTN):c.6790+12C>T

Gene: TTN (titin; minus strand). Cytogenetic location: 2q31.2.
Variant type: single nucleotide variant.
Coding change: c.6790+12C>T on transcript NM_001267550.2 (MANE Select); 12 bases into the intron after coding-DNA position 6790, C replaced by T.
Molecular consequence: intron variant.
Genome position (GRCh38, 1-based): chr2:178,774,909, G>A on the plus strand (C>T on the coding strand, the complement: TTN is on the minus strand). VCF-style: chr2-178774909-G-A. GRCh37 (hg19) VCF-style: chr2-179639636-G-A.
Other names: c.6790+12C>T (NM_133378.4, NM_001256850.1, NM_133379.5); c.6652+12C>T (NM_003319.4, NM_133437.4, NM_133432.3).
Identifiers: ClinVar variation 137823 (VCV000137823.21), dbSNP rs200187117, ClinGen allele CA295558.
Genomic context (GRCh38, chr2:178,774,909, plus strand): 5'-AGCTAATTTTACCACATGCTAAGGGTGACTTTAGAGCTTAGGTAAACAATGAAATCCTTC[G>A]TTGTTGAATACCTTCAACAATAAGTTTAGCAGTCGTTTTGACATTTTCATCTTCCACAAG-3'